The following is an entry in ClinVar:

NM_201384.3(PLEC):c.5831T>C (p.Leu1944Pro)

Gene: PLEC (plectin; minus strand). Cytogenetic location: 8q24.3.
Variant type: single nucleotide variant.
Coding change: c.5831T>C on transcript NM_201384.3 (MANE Select); coding-DNA position 5831, T replaced by C.
Protein change: p.Leu1944Pro; replaces leucine 1944 with proline.
Molecular consequence: missense variant. On other transcripts: intron variant (1).
Genome position (GRCh38, 1-based): chr8:143,924,098, A>G on the plus strand (T>C on the coding strand, the complement: PLEC is on the minus strand). VCF-style: chr8-143924098-A-G. GRCh37 (hg19) VCF-style: chr8-144998266-A-G.
Other names: c.6242T>C, p.Leu2081Pro (NM_201380.4); c.5735T>C, p.Leu1912Pro (NM_201381.3); c.5831T>C, p.Leu1944Pro (NM_201382.4); c.5843T>C, p.Leu1948Pro (NM_201383.3); c.4126-1703T>C (NM_001410941.1); c.5912T>C, p.Leu1971Pro (NM_000445.5); c.5789T>C, p.Leu1930Pro (NM_201378.4); c.5765T>C, p.Leu1922Pro (NM_201379.3); short protein forms L1930P, L1948P, L1944P, L2081P, L1922P, L1971P, L1912P.
Identifiers: ClinVar variation 4792206 (VCV004792206.1).

ClinVar aggregate classification (germline): Uncertain significance (1 of 4 stars; one submission).

Conditions:
Epidermolysis bullosa simplex with nail dystrophy (EBS5D). Identifiers: MedGen C4225309, MONDO:0014661, OMIM 616487.
Epidermolysis bullosa simplex, Ogna type (EBS5A). Also called: EPIDERMOLYSIS BULLOSA SIMPLEX 5A, OGNA TYPE; Pidermolysis bullosa simplex 5A, Ogna type. Identifiers: Orphanet 79401, MedGen C0432317, MONDO:0007555, OMIM 131950.
Autosomal recessive limb-girdle muscular dystrophy type 2Q (LGMDR17). Also called: MUSCULAR DYSTROPHY, LIMB-GIRDLE, AUTOSOMAL RECESSIVE 17. Identifiers: Orphanet 254361, MedGen C3150989, MONDO:0013390, OMIM 613723.
Epidermolysis bullosa simplex 5B, with muscular dystrophy (EBS5B). Also called: EPIDERMOLYSIS BULLOSA SIMPLEX AND LIMB-GIRDLE MUSCULAR DYSTROPHY; Epidermolysis bullosa simplex with muscular dystrophy. Identifiers: Orphanet 257, MedGen C2931072, MONDO:0009181, OMIM 226670.
Epidermolysis bullosa simplex 5C, with pyloric atresia (EBS5C). Also called: PLEC-Related Epidermolysis Bullosa with Pyloric Atresia; Epidermolysis bullosa simplex with pyloric atresia; PLEC1-Related Epidermolysis Bullosa with Pyloric Atresia. Identifiers: Orphanet 158684, MedGen C2677349, MONDO:0012807, OMIM 612138.

Submission:

Labcorp Genetics (formerly Invitae), Labcorp
Classification: Uncertain significance for Autosomal recessive limb-girdle muscular dystrophy type 2Q; Epidermolysis bullosa simplex, Ogna type; Epidermolysis bullosa simplex with nail dystrophy; Epidermolysis bullosa simplex 5C, with pyloric atresia; Epidermolysis bullosa simplex 5B, with muscular dystrophy. Last evaluated: 2025-03-22. Review status: criteria provided, single submitter. Criteria: Invitae Variant Classification Sherloc (09022015). Collection method: clinical testing. Allele origin: germline.
Comment: This sequence change replaces leucine, which is neutral and non-polar, with proline, which is neutral and non-polar, at codon 1971 of the PLEC protein (p.Leu1971Pro). This variant is not present in population databases (gnomAD no frequency). This variant has not been reported in the literature in individuals affected with PLEC-related conditions. Experimental studies and prediction algorithms are not available or were not evaluated, and the functional significance of this variant is currently unknown. In summary, the available evidence is currently insufficient to determine the role of this variant in disease. Therefore, it has been classified as a Variant of Uncertain Significance.